The following is an entry in ClinVar:

NM_000275.3(OCA2):c.1892G>C (p.Gly631Ala)

Gene: OCA2 (OCA2 melanosomal transmembrane protein; minus strand). Cytogenetic location: 15q13.1.
Variant type: single nucleotide variant.
Coding change: c.1892G>C on transcript NM_000275.3 (MANE Select); coding-DNA position 1892, G replaced by C.
Protein change: p.Gly631Ala; replaces glycine 631 with alanine.
Molecular consequence: missense variant.
Genome position (GRCh38, 1-based): chr15:27,951,843, C>G on the plus strand (G>C on the coding strand, the complement: OCA2 is on the minus strand). VCF-style: chr15-27951843-C-G. GRCh37 (hg19) VCF-style: chr15-28196989-C-G.
Other names: c.1820G>C, p.Gly607Ala (NM_001300984.2); c.1892G>C (NM_000275.2); short protein forms G607A, G631A.
Identifiers: ClinVar variation 2001901 (VCV002001901.5), dbSNP rs946624305, ClinGen allele CA267879959.

ClinVar aggregate classification (germline): Uncertain significance. Review status: criteria provided, multiple submitters, no conflicts (2 of 4 stars). 2 submissions from 2 submitters: Uncertain significance (2). Last evaluated 2025-04-03.

Conditions:
Inborn genetic diseases. Identifiers: MedGen C0950123, MeSH D030342.

Allele frequency attached by ClinVar (database versions not stated): gnomAD 0.00001; gnomAD exomes 0.00001; TOPMed 0.00002.
gnomAD v4.1: 12 of 1,613,950 alleles (0.00074%); highest among the groups gnomAD compares: Non-Finnish European, 0.001%; no homozygotes.

Submissions (2):

Ambry Genetics
Classification: Uncertain significance for Inborn genetic diseases. Last evaluated: 2025-04-03. Review status: criteria provided, single submitter. Criteria: Ambry Variant Classification Scheme 2023. Collection method: clinical testing. Allele origin: germline.

Labcorp Genetics (formerly Invitae), Labcorp
Classification: Uncertain significance. Last evaluated: 2022-06-02. Review status: criteria provided, single submitter. Criteria: Invitae Variant Classification Sherloc (09022015). Collection method: clinical testing. Allele origin: germline.
Comment: This variant is present in population databases (no rsID available, gnomAD 0.002%). In summary, the available evidence is currently insufficient to determine the role of this variant in disease. Therefore, it has been classified as a Variant of Uncertain Significance. Advanced modeling of protein sequence and biophysical properties (such as structural, functional, and spatial information, amino acid conservation, physicochemical variation, residue mobility, and thermodynamic stability) performed at Invitae indicates that this missense variant is not expected to disrupt OCA2 protein function. This variant has not been reported in the literature in individuals affected with OCA2-related conditions. This sequence change replaces glycine, which is neutral and non-polar, with alanine, which is neutral and non-polar, at codon 631 of the OCA2 protein (p.Gly631Ala).